The following is an entry in ClinVar:

NM_001458.5(FLNC):c.3658T>C (p.Phe1220Leu)

Gene: FLNC (filamin C; plus strand). Cytogenetic location: 7q32.1.
Variant type: single nucleotide variant.
Coding change: c.3658T>C on transcript NM_001458.5 (MANE Select); coding-DNA position 3658, T replaced by C.
Protein change: p.Phe1220Leu; replaces phenylalanine 1220 with leucine.
Molecular consequence: missense variant.
Genome position (GRCh38, 1-based): chr7:128,845,123, T>C. VCF-style: chr7-128845123-T-C. GRCh37 (hg19) VCF-style: chr7-128485177-T-C.
Other names: c.3658T>C, p.Phe1220Leu (NM_001127487.2); short protein forms F1220L.
Identifiers: ClinVar variation 5021965 (VCV005021965.1).

ClinVar aggregate classification (germline): Uncertain significance (1 of 4 stars; one submission).

Conditions:
Cardiovascular phenotype. Identifiers: MedGen CN230736.

Submission:

Ambry Genetics
Classification: Uncertain significance for Cardiovascular phenotype. Last evaluated: 2026-08-19. Review status: criteria provided, single submitter. Criteria: Ambry Variant Classification Scheme 2023. Collection method: clinical testing. Allele origin: germline.
Comment: The p.F1220L variant (also known as c.3658T>C), located in coding exon 21 of the FLNC gene, results from a T to C substitution at nucleotide position 3658. The phenylalanine at codon 1220 is replaced by leucine, an amino acid with highly similar properties. This amino acid position is conserved. In addition, this alteration is predicted to be tolerated by in silico analysis. Based on the available evidence, the clinical significance of this variant remains unclear.